The following is an entry in ClinVar:

ClinVar aggregate classification (germline): Uncertain significance (1 of 4 stars; one submission).

Submission:

GeneDx
Classification: Uncertain significance. Last evaluated: 2024-03-21. Review status: criteria provided, single submitter. Criteria: GeneDx Variant Classification Process June 2021. Collection method: clinical testing. Allele origin: germline. Affected: yes.
Comment: Not observed at significant frequency in large population cohorts (gnomAD); In silico analysis supports that this missense variant has a deleterious effect on protein structure/function; Has not been previously published as pathogenic or benign to our knowledge

NM_012280.4(FTSJ1):c.289A>G (p.Thr97Ala)

Gene: FTSJ1 (FtsJ RNA 2'-O-methyltransferase 1; plus strand). Cytogenetic location: Xp11.23.
Variant type: single nucleotide variant.
Coding change: c.289A>G on transcript NM_012280.4 (MANE Select); coding-DNA position 289, A replaced by G.
Protein change: p.Thr97Ala; replaces threonine 97 with alanine.
Molecular consequence: missense variant.
Genome position (GRCh38, 1-based): chrX:48,479,044, A>G. VCF-style: chrX-48479044-A-G. GRCh37 (hg19) VCF-style: chrX-48337432-A-G.
Other names: c.-70A>G (NM_001282157.2); c.289A>G, p.Thr97Ala (NM_177439.3); short protein forms T97A.
Identifiers: ClinVar variation 3370720 (VCV003370720.1).